The following is an entry in ClinVar:

ClinVar aggregate classification (germline): Likely benign (0 of 4 stars; one submission).

Conditions:
SETD1A-related disorder. Also called: SETD1A-related condition.

Allele frequency attached by ClinVar (database versions not stated): ESP Exome Variant Server 0.00008; gnomAD 0.00013; gnomAD exomes 0.00017; TOPMed 0.00017; ExAC 0.00022.
gnomAD v4.1: 278 of 1,613,900 alleles (0.017%); highest among the groups gnomAD compares: Admixed American, 0.023%; no homozygotes.

Submission:

PreventionGenetics, part of Exact Sciences
Classification: Likely benign for SETD1A-related condition. Last evaluated: 2021-02-15. Review status: no assertion criteria provided. Collection method: clinical testing. Allele origin: germline.
Comment: This variant is classified as likely benign based on ACMG/AMP sequence variant interpretation guidelines (Richards et al. 2015 PMID: 25741868, with internal and published modifications).

NM_014712.3(SETD1A):c.1447G>A (p.Ala483Thr)

Gene: SETD1A (SET domain containing 1A, histone lysine methyltransferase; plus strand). Cytogenetic location: 16p11.2.
Variant type: single nucleotide variant.
Coding change: c.1447G>A on transcript NM_014712.3 (MANE Select); coding-DNA position 1447, G replaced by A.
Protein change: p.Ala483Thr; replaces alanine 483 with threonine.
Molecular consequence: missense variant.
Genome position (GRCh38, 1-based): chr16:30,965,189, G>A. VCF-style: chr16-30965189-G-A. GRCh37 (hg19) VCF-style: chr16-30976510-G-A.
Other names: short protein forms A483T.
Identifiers: ClinVar variation 3047051 (VCV003047051.2), dbSNP rs199748437, ClinGen allele CA8016680.